The following is an entry in ClinVar:

NM_001105206.3(LAMA4):c.2719G>A (p.Val907Ile)

Genes: LAMA4 (laminin subunit alpha 4; minus strand), LOC126859766 (MED14-independent group 3 enhancer GRCh37_chr6:112462018-112463217; plus strand). Cytogenetic location: 6q21.
Variant type: single nucleotide variant.
Coding change: c.2719G>A on transcript NM_001105206.3 (MANE Select); coding-DNA position 2719, G replaced by A.
Protein change: p.Val907Ile; replaces valine 907 with isoleucine.
Molecular consequence: missense variant.
Genome position (GRCh38, 1-based): chr6:112,141,452, C>T on the plus strand (G>A on the coding strand, the complement: LAMA4 is on the minus strand). VCF-style: chr6-112141452-C-T. GRCh37 (hg19) VCF-style: chr6-112462654-C-T.
Other names: c.2698G>A (NM_002290.4); c.2698G>A, p.Val900Ile (NM_001105207.3, NM_002290.5); short protein forms V900I, V907I.
Identifiers: ClinVar variation 626729 (VCV000626729.13), dbSNP rs138030555, ClinGen allele CA3965395.

ClinVar aggregate classification (germline): Conflicting classifications of pathogenicity. Review status: criteria provided, conflicting classifications (1 of 4 stars). 6 submissions from 6 submitters: Uncertain significance (5); Likely benign (1). Last evaluated 2025-10-22.

Conditions:
Dilated cardiomyopathy 1JJ (CMD1JJ). Identifiers: Orphanet 154, MedGen C3808935, MONDO:0014095, OMIM 615235.
Cardiomyopathy (CMYO). Also called: Cardiomyopathies. Identifiers: Orphanet 167848, MedGen C0878544, MONDO:0004994, HP:0001638. Inheritance: Various modes of inheritance.
LAMA4-related disorder. Also called: LAMA4-related condition.
Cardiovascular phenotype. Identifiers: MedGen CN230736.

Allele frequency attached by ClinVar (database versions not stated): ExAC 0.00002; gnomAD exomes 0.00003 and 0.00004; ESP Exome Variant Server 0.00008; TOPMed 0.00010; gnomAD 0.00011; 1000 Genomes Project 0.00020; 1000 Genomes Project 30x 0.00031.
gnomAD v4.1: 56 of 1,611,368 alleles (0.0035%); highest among the groups gnomAD compares: African/African-American, 0.025%; no homozygotes.

Submissions (6):

Labcorp Genetics (formerly Invitae), Labcorp
Classification: Uncertain significance for Dilated cardiomyopathy 1JJ. Last evaluated: 2025-10-22. Review status: criteria provided, single submitter. Criteria: Invitae Variant Classification Sherloc (09022015). Collection method: clinical testing. Allele origin: germline.
Comment: This sequence change replaces valine, which is neutral and non-polar, with isoleucine, which is neutral and non-polar, at codon 900 of the LAMA4 protein (p.Val900Ile). This variant is present in population databases (rs138030555, gnomAD 0.03%). This variant has not been reported in the literature in individuals affected with LAMA4-related conditions. ClinVar contains an entry for this variant (Variation ID: 626729). Invitae Evidence Modeling of protein sequence and biophysical properties (such as structural, functional, and spatial information, amino acid conservation, physicochemical variation, residue mobility, and thermodynamic stability) indicates that this missense variant is not expected to disrupt LAMA4 protein function with a negative predictive value of 80%. In summary, the available evidence is currently insufficient to determine the role of this variant in disease. Therefore, it has been classified as a Variant of Uncertain Significance.

GeneDx
Classification: Uncertain significance. Last evaluated: 2023-07-11. Review status: criteria provided, single submitter. Criteria: GeneDx Variant Classification Process June 2021. Collection method: clinical testing. Allele origin: germline. Affected: yes.
Comment: Has not been previously published as pathogenic or benign to our knowledge; In silico analysis supports that this missense variant does not alter protein structure/function

PreventionGenetics, part of Exact Sciences
Classification: Uncertain significance for LAMA4-related condition. Last evaluated: 2022-12-05. Review status: criteria provided, single submitter. Criteria: ACMG Guidelines, 2015. Collection method: clinical testing. Allele origin: germline.
Comment: The LAMA4 c.2698G>A variant is predicted to result in the amino acid substitution p.Val900Ile. To our knowledge, this variant has not been reported in the literature. This variant is reported in 0.032% of alleles in individuals of African descent in gnomAD. Although we suspect that this variant may be benign, at this time, the clinical significance of this variant is uncertain due to the absence of conclusive functional and genetic evidence.

Fulgent Genetics
Classification: Uncertain significance for Dilated cardiomyopathy 1JJ. Last evaluated: 2021-08-13. Review status: criteria provided, single submitter. Criteria: ACMG Guidelines, 2015. Collection method: clinical testing. Allele origin: unknown.

Ambry Genetics
Classification: Likely benign for Cardiovascular phenotype. Last evaluated: 2019-02-04. Review status: criteria provided, single submitter. Criteria: Ambry Variant Classification Scheme 2023. Collection method: clinical testing. Allele origin: germline.

CHEO Genetics Diagnostic Laboratory, Children's Hospital of Eastern Ontario
Classification: Uncertain significance for Cardiomyopathy. Last evaluated: 2017-08-04. Review status: criteria provided, single submitter. Criteria: ACMG Guidelines, 2015. Collection method: clinical testing. Allele origin: germline. Study: Canadian Open Genetics Repository.